The following is an entry in ClinVar:

ClinVar aggregate classification (germline): Uncertain significance (1 of 4 stars; one submission).

Conditions:
CHARGE syndrome (CHARGE). Also called: Hittner Hirsch Kreh syndrome; CHARGE ASSOCIATION--COLOBOMA, HEART ANOMALY, CHOANAL ATRESIA, RETARDATION, GENITAL AND EAR ANOMALIES; Coloboma, heart anomaly, choanal atresia, retardation, genital and ear anomalies; CHARGE association; Hall-Hittner syndrome. Identifiers: Orphanet 138, MedGen C0265354, MONDO:0008965.

Allele frequency attached by ClinVar (database versions not stated): ExAC 0.00001; TOPMed 0.00001; gnomAD exomes below 0.00001.
gnomAD v4.1: 1 of 1,613,992 alleles (0.000062%); highest among the groups gnomAD compares: Non-Finnish European, 0.000085%; no homozygotes.

Submission:

Labcorp Genetics (formerly Invitae), Labcorp
Classification: Uncertain significance for CHARGE syndrome. Last evaluated: 2020-08-19. Review status: criteria provided, single submitter. Criteria: Invitae Variant Classification Sherloc (09022015). Collection method: clinical testing. Allele origin: germline.
Comment: This sequence change replaces methionine with leucine at codon 328 of the CHD7 protein (p.Met328Leu). The methionine residue is highly conserved and there is a small physicochemical difference between methionine and leucine. This variant is present in population databases (rs747112804, ExAC 0.001%). This variant has not been reported in the literature in individuals with CHD7-related conditions. Advanced modeling of protein sequence and biophysical properties (such as structural, functional, and spatial information, amino acid conservation, physicochemical variation, residue mobility, and thermodynamic stability) performed at Invitae indicates that this missense variant is not expected to disrupt CHD7 protein function. In summary, the available evidence is currently insufficient to determine the role of this variant in disease. Therefore, it has been classified as a Variant of Uncertain Significance.

NM_017780.4(CHD7):c.982A>T (p.Met328Leu)

Gene: CHD7 (chromodomain helicase DNA binding protein 7; plus strand). Cytogenetic location: 8q12.2.
Variant type: single nucleotide variant.
Coding change: c.982A>T on transcript NM_017780.4 (MANE Select); coding-DNA position 982, A replaced by T.
Protein change: p.Met328Leu; replaces methionine 328 with leucine.
Molecular consequence: missense variant.
Genome position (GRCh38, 1-based): chr8:60,742,414, A>T. VCF-style: chr8-60742414-A-T. GRCh37 (hg19) VCF-style: chr8-61654973-A-T.
Other names: c.982A>T, p.Met328Leu (NM_001316690.1); short protein forms M328L.
Identifiers: ClinVar variation 1062264 (VCV001062264.9), dbSNP rs747112804, ClinGen allele CA4759409.